The following is an entry in ClinVar:

NM_012203.2(GRHPR):c.553C>T (p.Arg185Cys)

Gene: GRHPR (glyoxylate and hydroxypyruvate reductase; plus strand). Cytogenetic location: 9p13.2.
Variant type: single nucleotide variant.
Coding change: c.553C>T on transcript NM_012203.2 (MANE Select); coding-DNA position 553, C replaced by T.
Protein change: p.Arg185Cys; replaces arginine 185 with cysteine.
Molecular consequence: missense variant.
Genome position (GRCh38, 1-based): chr9:37,429,791, C>T. VCF-style: chr9-37429791-C-T. GRCh37 (hg19) VCF-style: chr9-37429788-C-T.
Other names: short protein forms R185C.
Identifiers: ClinVar variation 1748186 (VCV001748186.4), dbSNP rs748100930, ClinGen allele CA5059143.

ClinVar aggregate classification (germline): Uncertain significance. Review status: criteria provided, multiple submitters, no conflicts (2 of 4 stars). 2 submissions from 2 submitters: Uncertain significance (2). Last evaluated 2023-12-21.

Conditions:
Nephrolithiasis/nephrocalcinosis. Identifiers: MedGen CN580796.

Allele frequency attached by ClinVar (database versions not stated): gnomAD exomes 0.00002; ExAC 0.00004.
gnomAD v4.1: 37 of 1,612,896 alleles (0.0023%); highest among the groups gnomAD compares: African/African-American, 0.008%; no homozygotes.

Submissions (2):

Ambry Genetics
Classification: Uncertain significance for Nephrolithiasis/nephrocalcinosis. Last evaluated: 2023-12-21. Review status: criteria provided, single submitter. Criteria: Ambry Variant Classification Scheme 2023. Collection method: clinical testing. Allele origin: germline.

Labcorp Genetics (formerly Invitae), Labcorp
Classification: Uncertain significance. Last evaluated: 2022-06-05. Review status: criteria provided, single submitter. Criteria: Invitae Variant Classification Sherloc (09022015). Collection method: clinical testing. Allele origin: germline.
Comment: This sequence change replaces arginine, which is basic and polar, with cysteine, which is neutral and slightly polar, at codon 185 of the GRHPR protein (p.Arg185Cys). This variant is present in population databases (rs748100930, gnomAD 0.01%). This variant has not been reported in the literature in individuals affected with GRHPR-related conditions. Algorithms developed to predict the effect of missense changes on protein structure and function are either unavailable or do not agree on the potential impact of this missense change (SIFT: "Deleterious"; PolyPhen-2: "Benign"; Align-GVGD: "Class C0"). In summary, the available evidence is currently insufficient to determine the role of this variant in disease. Therefore, it has been classified as a Variant of Uncertain Significance.